The following is an entry in ClinVar:

NM_032608.7(MYO18B):c.5832+2T>C

Gene: MYO18B (myosin XVIIIB; plus strand). Cytogenetic location: 22q12.1.
Variant type: single nucleotide variant.
Coding change: c.5832+2T>C on transcript NM_032608.7 (MANE Select); the canonical splice donor site of the intron after coding-DNA position 5832, T replaced by C.
Molecular consequence: splice donor variant.
Genome position (GRCh38, 1-based): chr22:25,950,452, T>C. VCF-style: chr22-25950452-T-C. GRCh37 (hg19) VCF-style: chr22-26346418-T-C.
Other names: c.5835+2T>C (NM_001318245.2).
Identifiers: ClinVar variation 3640965 (VCV003640965.2).

ClinVar aggregate classification (germline): Likely pathogenic (1 of 4 stars; one submission).

gnomAD v4.1: 1 of 1,597,798 alleles (0.000063%); highest among the groups gnomAD compares: Non-Finnish European, 0.000085%; no homozygotes.

Submission:

Labcorp Genetics (formerly Invitae), Labcorp
Classification: Likely pathogenic. Last evaluated: 2024-03-11. Review status: criteria provided, single submitter. Criteria: Invitae Variant Classification Sherloc (09022015). Collection method: clinical testing. Allele origin: germline.
Comment: This sequence change affects a donor splice site in intron 37 of the MYO18B gene. It is expected to disrupt RNA splicing. Variants that disrupt the donor or acceptor splice site typically lead to a loss of protein function (PMID: 16199547), and loss-of-function variants in MYO18B are known to be pathogenic (PMID: 25748484, 32184166, 32637634). This variant is not present in population databases (gnomAD no frequency). This variant has not been reported in the literature in individuals affected with MYO18B-related conditions. Algorithms developed to predict the effect of sequence changes on RNA splicing suggest that this variant may disrupt the consensus splice site. In summary, the currently available evidence indicates that the variant is pathogenic, but additional data are needed to prove that conclusively. Therefore, this variant has been classified as Likely Pathogenic.

Literature cited by the submitters: PubMed 16199547; PubMed 25748484; PubMed 32184166; PubMed 32637634.